The following is an entry in ClinVar:

ClinVar aggregate classification (germline): Pathogenic (1 of 4 stars; one submission).

Conditions:
Hereditary cancer-predisposing syndrome. Also called: Neoplastic Syndromes, Hereditary; Hereditary Cancer Syndrome; Hereditary neoplastic syndrome; Tumor predisposition. Identifiers: Orphanet 140162, MedGen C0027672, MeSH D009386, MONDO:0015356.

Submission:

Ambry Genetics
Classification: Pathogenic for Hereditary cancer-predisposing syndrome. Last evaluated: 2023-06-01. Review status: criteria provided, single submitter. Criteria: Ambry Variant Classification Scheme 2023. Collection method: clinical testing. Allele origin: germline.
Comment: The c.1993delC pathogenic mutation, located in coding exon 20 of the RB1 gene, results from a deletion of one nucleotide at nucleotide position 1993, causing a translational frameshift with a predicted alternate stop codon (p.L665Ffs*12). This variant is considered to be rare based on population cohorts in the Genome Aggregation Database (gnomAD). This alteration is expected to result in loss of function by premature protein truncation or nonsense-mediated mRNA decay. As such, this alteration is interpreted as a disease-causing mutation.

NM_000321.3(RB1):c.1993del (p.Leu665fs)

Gene: RB1 (RB transcriptional corepressor 1; plus strand). Cytogenetic location: 13q14.2.
Variant type: Deletion.
Coding change: c.1993del on transcript NM_000321.3 (MANE Select); coding-DNA position 1993, one base deleted (C; older notation c.1993delC).
Protein change: p.Leu665fs; shifts the reading frame from leucine 665.
Molecular consequence: frameshift variant.
Genome position (GRCh38, 1-based): chr13:48,459,720, C deleted. VCF-style (leftmost placement, unchanged base first): chr13-48459719-AC-A. GRCh37 (hg19) VCF-style: chr13-49033855-AC-A.
Other names: c.1993del, p.Leu665fs (NM_001407165.1); short protein forms L665fs.
Identifiers: ClinVar variation 2565232 (VCV002565232.2), dbSNP rs2542368066, ClinGen allele CA2580614720.